The following is an entry in ClinVar:

NM_000285.4(PEPD):c.610G>A (p.Glu204Lys)

Gene: PEPD (peptidase D; minus strand). Cytogenetic location: 19q13.11.
Variant type: single nucleotide variant.
Coding change: c.610G>A on transcript NM_000285.4 (MANE Select); coding-DNA position 610, G replaced by A.
Protein change: p.Glu204Lys; replaces glutamic acid 204 with lysine.
Molecular consequence: missense variant. On other transcripts: intron variant (1).
Genome position (GRCh38, 1-based): chr19:33,464,001, C>T on the plus strand (G>A on the coding strand, the complement: PEPD is on the minus strand). VCF-style: chr19-33464001-C-T. GRCh37 (hg19) VCF-style: chr19-33954907-C-T.
Other names: c.418G>A, p.Glu140Lys (NM_001166057.2); c.548+14045G>A (NM_001166056.2); short protein forms E140K, E204K.
Identifiers: ClinVar variation 2197080 (VCV002197080.3), dbSNP rs1452259995, ClinGen allele CA405230706.

ClinVar aggregate classification (germline): Uncertain significance (1 of 4 stars; one submission).

Allele frequency attached by ClinVar (database versions not stated): gnomAD exomes below 0.00001; TOPMed below 0.00001.
gnomAD v4.1: 3 of 1,611,096 alleles (0.00019%); highest among the groups gnomAD compares: East Asian, 0.0022%; no homozygotes.

Submission:

Labcorp Genetics (formerly Invitae), Labcorp
Classification: Uncertain significance. Last evaluated: 2024-02-16. Review status: criteria provided, single submitter. Criteria: Invitae Variant Classification Sherloc (09022015). Collection method: clinical testing. Allele origin: germline.
Comment: This sequence change replaces glutamic acid, which is acidic and polar, with lysine, which is basic and polar, at codon 204 of the PEPD protein (p.Glu204Lys). This variant is not present in population databases (gnomAD no frequency). This variant has not been reported in the literature in individuals affected with PEPD-related conditions. ClinVar contains an entry for this variant (Variation ID: 2197080). Advanced modeling of protein sequence and biophysical properties (such as structural, functional, and spatial information, amino acid conservation, physicochemical variation, residue mobility, and thermodynamic stability) performed at Invitae indicates that this missense variant is not expected to disrupt PEPD protein function with a negative predictive value of 80%. In summary, the available evidence is currently insufficient to determine the role of this variant in disease. Therefore, it has been classified as a Variant of Uncertain Significance.